The following is an entry in ClinVar:

ClinVar aggregate classification (germline): Uncertain significance (1 of 4 stars; one submission).

Conditions:
Ehlers-Danlos syndrome, classic type, 1 (EDSCL1). Also called: EHLERS-DANLOS SYNDROME, GRAVIS TYPE; EHLERS-DANLOS SYNDROME, SEVERE CLASSIC TYPE; Ehlers-Danlos Syndrome, Classic Type, COL5A1-Related; EDS I; Ehlers-Danlos syndrome, type 1. Identifiers: MedGen C0268335, MONDO:0019567, OMIM 130000.

Submission:

Labcorp Genetics (formerly Invitae), Labcorp
Classification: Uncertain significance for Ehlers-Danlos syndrome, classic type, 1. Last evaluated: 2016-10-25. Review status: criteria provided, single submitter. Criteria: Invitae Variant Classification Sherloc (09022015). Collection method: clinical testing. Allele origin: germline.
Comment: This variant is not present in population databases (ExAC no frequency) and has not been reported in the literature in individuals with a COL5A1-related disease. In summary, this variant is a novel missense change with uncertain impact on protein function. It has been classified as a Variant of Uncertain Significance. Algorithms developed to predict the effect of missense changes on protein structure and function do not agree on the potential impact of this missense change (SIFT: "Deleterious"; PolyPhen-2: "Probably Damaging"; Align-GVGD: "Class C0"). This sequence change replaces glutamic acid with valine at codon 451 of the COL5A1 protein (p.Glu451Val). The glutamic acid residue is highly conserved and there is a moderate physicochemical difference between glutamic acid and valine.

NM_000093.5(COL5A1):c.1352A>T (p.Glu451Val)

Gene: COL5A1 (collagen type V alpha 1 chain; plus strand). Cytogenetic location: 9q34.3.
Variant type: single nucleotide variant.
Coding change: c.1352A>T on transcript NM_000093.5 (MANE Select); coding-DNA position 1352, A replaced by T.
Protein change: p.Glu451Val; replaces glutamic acid 451 with valine.
Molecular consequence: missense variant.
Genome position (GRCh38, 1-based): chr9:134,732,090, A>T. VCF-style: chr9-134732090-A-T. GRCh37 (hg19) VCF-style: chr9-137623936-A-T.
Other names: c.1352A>T, p.Glu451Val (NM_001278074.1); short protein forms E451V.
Identifiers: ClinVar variation 409088 (VCV000409088.10), dbSNP rs1060502243, ClinGen allele CA16612663.
Genomic context (GRCh38, chr9:134,732,090, plus strand): 5'-TCTCTCTGATTCTCTTTCCATCTGCCTTTTATCACCCCCAGATTGGAGGACCTCGGGGCG[A>T]GAAAGGCCAAAAGGGAGAACCAGCGATTATCGAGCCGGTGAGGACATTTTCTCATTCCCT-3'
Protein context (NP_000084.3, residues 441-461): IYEGIGGPRG[Glu451Val]KGQKGEPAII